The following is an entry in ClinVar:

NM_005228.5(EGFR):c.2281G>A (p.Asp761Asn)

Gene: EGFR (epidermal growth factor receptor; plus strand). Cytogenetic location: 7p11.2.
Variant type: single nucleotide variant.
Coding change: c.2281G>A on transcript NM_005228.5 (MANE Select); coding-DNA position 2281, G replaced by A.
Protein change: p.Asp761Asn; replaces aspartic acid 761 with asparagine.
Molecular consequence: missense variant.
Genome position (GRCh38, 1-based): chr7:55,174,818, G>A. VCF-style: chr7-55174818-G-A. GRCh37 (hg19) VCF-style: chr7-55242511-G-A.
Other names: c.2281G>A (NM_005228.3); c.2146G>A, p.Asp716Asn (NM_001346897.2, NM_001346899.2); c.2281G>A, p.Asp761Asn (NM_001346898.2); c.2122G>A, p.Asp708Asn (NM_001346900.2); c.1480G>A, p.Asp494Asn (NM_001346941.2); short protein forms D761N, D494N, D708N, D716N.
Identifiers: ClinVar variation 376082 (VCV000376082.7), dbSNP rs121913418, ClinGen allele CA16602543.
Genomic context (GRCh38, chr7:55,174,818, plus strand): 5'-CCCGTCGCTATCAAGGAATTAAGAGAAGCAACATCTCCGAAAGCCAACAAGGAAATCCTC[G>A]ATGTGAGTTTCTGCTTTGCTGTGTGGGGGTCCATGGCTCTGAACCTCAGGCCCACCTTTT-3'
Protein context (NP_005219.2, residues 751-771): TSPKANKEIL[Asp761Asn]EAYVMASVDN

ClinVar aggregate classification (germline): Uncertain significance. Review status: criteria provided, multiple submitters, no conflicts (2 of 4 stars). 2 submissions from 2 submitters: Uncertain significance (2). Last evaluated 2025-08-28.

Conditions:
Hereditary cancer-predisposing syndrome. Also called: Hereditary neoplastic syndrome; Hereditary Cancer Syndrome; Neoplastic Syndromes, Hereditary; Tumor predisposition. Identifiers: Orphanet 140162, MedGen C0027672, MeSH D009386, MONDO:0015356.
EGFR-related lung cancer (EGFR). Identifiers: MedGen CN130014.

Allele frequency attached by ClinVar (database versions not stated): gnomAD 0.00001 and 0.00003.
gnomAD v4.1: 9 of 1,613,330 alleles (0.00056%); highest among the groups gnomAD compares: African/African-American, 0.0013%; no homozygotes.

Submissions (2):

Labcorp Genetics (formerly Invitae), Labcorp
Classification: Uncertain significance for EGFR-related lung cancer. Last evaluated: 2025-08-28. Review status: criteria provided, single submitter. Criteria: Invitae Variant Classification Sherloc (09022015). Collection method: clinical testing. Allele origin: germline.
Comment: This sequence change replaces aspartic acid, which is acidic and polar, with asparagine, which is neutral and polar, at codon 761 of the EGFR protein (p.Asp761Asn). This variant is present in population databases (rs121913418, gnomAD 0.007%). This variant has not been reported in the literature in individuals affected with EGFR-related conditions. ClinVar contains an entry for this variant (Variation ID: 376082). An algorithm developed to predict the effect of missense changes on protein structure and function (PolyPhen-2) suggests that this variant is likely to be disruptive. Experimental studies have shown that this missense change affects EGFR function (PMID: 27294619). In summary, the available evidence is currently insufficient to determine the role of this variant in disease. Therefore, it has been classified as a Variant of Uncertain Significance.

Ambry Genetics
Classification: Uncertain significance for Hereditary cancer-predisposing syndrome. Last evaluated: 2025-07-29. Review status: criteria provided, single submitter. Criteria: Ambry Variant Classification Scheme 2023. Collection method: clinical testing. Allele origin: germline.
Comment: The p.D761N variant (also known as c.2281G>A), located in coding exon 19 of the EGFR gene, results from a G to A substitution at nucleotide position 2281. The aspartic acid at codon 761 is replaced by asparagine, an amino acid with highly similar properties. This amino acid position is highly conserved in available vertebrate species. In addition, this alteration is predicted to be tolerated by in silico analysis. Based on the available evidence, the clinical significance of this variant remains unclear.

Literature cited by the submitters: PubMed 27294619 (cited by Labcorp Genetics (formerly Invitae), Labcorp).